The following is an entry in ClinVar:

ClinVar aggregate classification (germline): Likely benign (1 of 4 stars; one submission).

Allele frequency attached by ClinVar (database versions not stated): gnomAD exomes below 0.00001 and 0.00001; ExAC 0.00002; TOPMed 0.00004; gnomAD 0.00005 and 0.00006; ESP Exome Variant Server 0.00023.
gnomAD v4.1: 16 of 1,612,644 alleles (0.00099%); highest among the groups gnomAD compares: African/African-American, 0.02%; no homozygotes.

Submission:

Women's Health and Genetics/Laboratory Corporation of America, LabCorp
Classification: Likely benign. Last evaluated: 2018-07-13. Review status: criteria provided, single submitter. Criteria: LabCorp Variant Classification Summary - May 2015. Collection method: clinical testing. Allele origin: germline.
Comment: Variant summary: FOXP2 c.1095-4T>G alters a non-conserved nucleotide located close to a canonical splice site and therefore could affect mRNA splicing, leading to a significantly altered protein sequence. 5/5 computational tools predict no significant impact on normal splicing. However, these predictions have yet to be confirmed by functional studies. The variant allele was found at a frequency of 1.8e-05 in 276698 control chromosomes (5 occurrences), which is approximately 100 fold of the estimated maximal expected allele frequency for a pathogenic variant in FOXP2 causing Speech-language disorder 1 phenotype (1.8e-07), strongly suggesting that the variant is benign. To our knowledge, no occurrence of c.1095-4T>G in individuals affected with Speech-language disorder 1 and no experimental evidence demonstrating its impact on protein function have been reported. No clinical diagnostic laboratories have submitted clinical-significance assessments for this variant to ClinVar after 2014. Based on the evidence outlined above, the variant was classified as likely benign.

NM_014491.4(FOXP2):c.1095-4T>G

Gene: FOXP2 (forkhead box P2; plus strand). Cytogenetic location: 7q31.1.
Variant type: single nucleotide variant.
Coding change: c.1095-4T>G on transcript NM_014491.4 (MANE Select); 4 bases into the intron before coding-DNA position 1095, T replaced by G.
Molecular consequence: intron variant.
Genome position (GRCh38, 1-based): chr7:114,652,199, T>G. VCF-style: chr7-114652199-T-G. GRCh37 (hg19) VCF-style: chr7-114292254-T-G.
Other names: c.1170-4T>G (NM_148898.4, NM_001172767.2); c.1146-4T>G (NM_148900.4); c.1092-4T>G (NM_001172766.3); c.1095-4T>G (NM_148899.3).
Identifiers: ClinVar variation 633221 (VCV000633221.1), dbSNP rs370836051, ClinGen allele CA4446000.
Genomic context (GRCh38, chr7:114,652,199, plus strand): 5'-TGTAGCCTATGCCACTAAGATCGACATCACTTTACATTCTGTTTTGTGTCTTCTGTTTGT[T>G]TAGGCACCTTAACAATGAACACGCATTGGATGACCGAAGCACTGCTCAGTGTCGAGTGCA-3'